The following is an entry in ClinVar:

ClinVar aggregate classification (germline): Uncertain significance. Review status: criteria provided, multiple submitters, no conflicts (2 of 4 stars). 3 submissions from 3 submitters: Uncertain significance (3). Last evaluated 2026-09-26.

Conditions:
Inborn genetic diseases. Identifiers: MedGen C0950123, MeSH D030342.
Hereditary spastic paraplegia 49 (HSAN9). Also called: Spastic paraplegia 49, autosomal recessive; TECPR2-Related Hereditary Sensory and Autonomic Neuropathy with Intellectual Disability; NEUROPATHY, HEREDITARY SENSORY AND AUTONOMIC, TYPE IX, WITH DEVELOPMENTAL DELAY. Identifiers: Orphanet 320385, MedGen C5190860, MONDO:0014016, OMIM 615031.

Allele frequency attached by ClinVar (database versions not stated): gnomAD exomes 0.00001; TOPMed below 0.00001; ExAC 0.00005.
gnomAD v4.1: 15 of 1,609,158 alleles (0.00093%); highest among the groups gnomAD compares: Non-Finnish European, 0.0013%; no homozygotes.

Submissions (3):

Foundation for Research in Genetics and Endocrinology, FRIGE's Institute of Human Genetics
Classification: Uncertain significance for Hereditary spastic paraplegia 49. Last evaluated: 2026-09-26. Review status: criteria provided, single submitter. Criteria: ACMG Guidelines, 2015. Collection method: clinical testing. Allele origin: germline. Inheritance: Autosomal recessive inheritance. Affected: yes. Observed: 1 variant allele, 1 homozygote.
Comment: A homozygous variant in exon 19 of the TECPR2 gene that results in the amino acid substitution of Glutamine for Arginine at codon 1336 (p.Arg1336Gln) was detected. The observed variant has not been reported in the 1000 genomes and gnomAD (v3.1) databases and has a minor allele frequency of 0.00126% and 0.00038% in the gnomAD (v2.1) and topmed databases respectively. The in silico predictions of the variant are probably damaging by PolyPhen-2 and damaging by SIFT, LRT and CONDEL. The reference codon is conserved across species. In summary, the variant meets our criteria to be classified as variant of uncertain significance.

Institute of Human Genetics, Clinical Exome/Genome Diagnostics Group, University Hospital Bonn
Classification: Uncertain significance for Hereditary spastic paraplegia 49. Last evaluated: 2023-05-03. Review status: criteria provided, single submitter. Criteria: ACMG Guidelines, 2015. Collection method: clinical testing. Allele origin: germline.

Ambry Genetics
Classification: Uncertain significance for Inborn genetic diseases. Last evaluated: 2021-11-09. Review status: criteria provided, single submitter. Criteria: Ambry Variant Classification Scheme 2023. Collection method: clinical testing. Allele origin: germline.

NM_014844.5(TECPR2):c.4007G>A (p.Arg1336Gln)

Gene: TECPR2 (tectonin beta-propeller repeat containing 2; plus strand). Cytogenetic location: 14q32.31.
Variant type: single nucleotide variant.
Coding change: c.4007G>A on transcript NM_014844.5 (MANE Select); coding-DNA position 4007, G replaced by A.
Protein change: p.Arg1336Gln; replaces arginine 1336 with glutamine.
Molecular consequence: missense variant.
Genome position (GRCh38, 1-based): chr14:102,497,645, G>A. VCF-style: chr14-102497645-G-A. GRCh37 (hg19) VCF-style: chr14-102963982-G-A.
Other names: p.Arg1336Gln; short protein forms R1336Q.
Identifiers: ClinVar variation 2389037 (VCV002389037.4), dbSNP rs748097955, ClinGen allele CA7358437.